The following is an entry in ClinVar:

NM_012062.5(DNM1L):c.1080-59A>G

Gene: DNM1L (dynamin 1 like; plus strand). Cytogenetic location: 12p11.21.
Variant type: single nucleotide variant.
Coding change: c.1080-59A>G on transcript NM_012062.5 (MANE Select); 59 bases into the intron before coding-DNA position 1080, A replaced by G.
Molecular consequence: intron variant.
Genome position (GRCh38, 1-based): chr12:32,730,955, A>G. VCF-style: chr12-32730955-A-G. GRCh37 (hg19) VCF-style: chr12-32883889-A-G.
Other names: c.1119-59A>G (NM_001278464.2, NM_001278465.2, NM_001330380.2); c.471-59A>G (NM_001278466.2); c.1080-59A>G (NM_001278463.2, NM_012063.4, NM_005690.5).
Identifiers: ClinVar variation 678892 (VCV000678892.2), dbSNP rs116168784, ClinGen allele CA235195599.

ClinVar aggregate classification (germline): Likely benign. Review status: criteria provided, multiple submitters, no conflicts (2 of 4 stars). 2 submissions from 2 submitters: Likely benign (2). Last evaluated 2018-06-14.

Allele frequency attached by ClinVar (database versions not stated): gnomAD exomes 0.00109; 1000 Genomes Project 0.00978; gnomAD 0.01023 and 0.01093; 1000 Genomes Project 30x 0.01093; TOPMed 0.01151.
gnomAD v4.1: 3,249 of 1,610,076 alleles (0.2%); highest among the groups gnomAD compares: African/African-American, 3.5%; 66 homozygotes.

Submissions (2):

GeneDx
Classification: Likely benign. Last evaluated: 2018-06-14. Review status: criteria provided, single submitter. Criteria: GeneDx Variant Classification (06012015). Collection method: clinical testing. Allele origin: germline. Affected: yes.
Comment: This variant is considered likely benign or benign based on one or more of the following criteria: it is a conservative change, it occurs at a poorly conserved position in the protein, it is predicted to be benign by multiple in silico algorithms, and/or has population frequency not consistent with disease.

Breakthrough Genomics
Classification: Likely benign. Review status: criteria provided, single submitter. Criteria: ACMG Guidelines, 2015. Collection method: not provided. Allele origin: germline. Inheritance: Autosomal recessive inheritance. Affected: yes.